The following is an entry in ClinVar:

ClinVar aggregate classification (germline): Uncertain significance (1 of 4 stars; one submission).

Conditions:
Brachyolmia-amelogenesis imperfecta syndrome. Also called: PLATYSPONDYLY WITH AMELOGENESIS IMPERFECTA; Tooth agenesis, selective, 6; Dental anomalies and short stature. Identifiers: Orphanet 2899, MedGen C1832594, MONDO:0011018, OMIM 601216. Disease mechanism: loss of function.

Submission:

Labcorp Genetics (formerly Invitae), Labcorp
Classification: Uncertain significance for Brachyolmia-amelogenesis imperfecta syndrome. Last evaluated: 2022-07-23. Review status: criteria provided, single submitter. Criteria: Invitae Variant Classification Sherloc (09022015). Collection method: clinical testing. Allele origin: germline.
Comment: This sequence change replaces arginine, which is basic and polar, with leucine, which is neutral and non-polar, at codon 708 of the LTBP3 protein (p.Arg708Leu). In summary, the available evidence is currently insufficient to determine the role of this variant in disease. Therefore, it has been classified as a Variant of Uncertain Significance. Algorithms developed to predict the effect of missense changes on protein structure and function (SIFT, PolyPhen-2, Align-GVGD) all suggest that this variant is likely to be tolerated. This variant has not been reported in the literature in individuals affected with LTBP3-related conditions. This variant is not present in population databases (gnomAD no frequency).

NM_001130144.3(LTBP3):c.2123G>T (p.Arg708Leu)

Gene: LTBP3 (latent transforming growth factor beta binding protein 3; minus strand). Cytogenetic location: 11q13.1.
Variant type: single nucleotide variant.
Coding change: c.2123G>T on transcript NM_001130144.3 (MANE Select); coding-DNA position 2123, G replaced by T.
Protein change: p.Arg708Leu; replaces arginine 708 with leucine.
Molecular consequence: missense variant.
Genome position (GRCh38, 1-based): chr11:65,546,905, C>A on the plus strand (G>T on the coding strand, the complement: LTBP3 is on the minus strand). VCF-style: chr11-65546905-C-A. GRCh37 (hg19) VCF-style: chr11-65314376-C-A.
Other names: c.1772G>T, p.Arg591Leu (NM_001164266.1); c.2123G>T, p.Arg708Leu (NM_021070.4); short protein forms R591L, R708L.
Identifiers: ClinVar variation 1713452 (VCV001713452.6), dbSNP rs1240419663, ClinGen allele CA381270213.